The following is an entry in ClinVar:

ClinVar aggregate classification (germline): Likely benign. Review status: criteria provided, multiple submitters, no conflicts (2 of 4 stars). 3 submissions from 3 submitters: Likely benign (3). Last evaluated 2025-11-20.

Conditions:
Inborn genetic diseases. Identifiers: MedGen C0950123, MeSH D030342.
Neuropathy, hereditary sensory, type 2C. Also called: Hereditary sensory and autonomic neuropathy type IIC; KIF1A-Related HSAN2 (HSAN2C). Identifiers: Orphanet 970, MedGen C3280168, MONDO:0013634, OMIM 614213.
Intellectual disability, autosomal dominant 9 (NESCAVS). Also called: NESCAV SYNDROME; KIF1A-Related Neurodevelopmental Disorder. Identifiers: Orphanet 662367, MedGen C5393830, MONDO:0013656, OMIM 614255.
Hereditary spastic paraplegia 30. Identifiers: Orphanet 101010, MedGen C5235139, MONDO:0012476.

gnomAD v4.1: 12 of 1,602,612 alleles (0.00075%); highest among the groups gnomAD compares: Admixed American, 0.0017%; no homozygotes.

Submissions (3):

Labcorp Genetics (formerly Invitae), Labcorp
Classification: Likely benign for Hereditary spastic paraplegia 30; Neuropathy, hereditary sensory, type 2C; Intellectual disability, autosomal dominant 9. Last evaluated: 2025-11-20. Review status: criteria provided, single submitter. Criteria: Invitae Variant Classification Sherloc (09022015). Collection method: clinical testing. Allele origin: germline.

Ambry Genetics
Classification: Likely benign for Inborn genetic diseases. Last evaluated: 2019-07-11. Review status: criteria provided, single submitter. Criteria: Ambry Variant Classification Scheme 2023. Collection method: clinical testing. Allele origin: germline.

GeneDx
Classification: Likely benign. Last evaluated: 2017-06-02. Review status: criteria provided, single submitter. Criteria: GeneDx Variant Classification (06012015). Collection method: clinical testing. Allele origin: germline. Affected: yes.
Comment: This variant is considered likely benign or benign based on one or more of the following criteria: it is a conservative change, it occurs at a poorly conserved position in the protein, it is predicted to be benign by multiple in silico algorithms, and/or has population frequency not consistent with disease.

NM_001244008.2(KIF1A):c.1818C>A (p.Pro606=)

Gene: KIF1A (kinesin family member 1A; minus strand). Cytogenetic location: 2q37.3.
Variant type: single nucleotide variant.
Coding change: c.1818C>A on transcript NM_001244008.2 (MANE Select); coding-DNA position 1818, C replaced by A.
Protein change: p.Pro606=; no amino-acid change (proline 606 retained).
Molecular consequence: synonymous variant.
Genome position (GRCh38, 1-based): chr2:240,763,297, G>T on the plus strand (C>A on the coding strand, the complement: KIF1A is on the minus strand). VCF-style: chr2-240763297-G-T. GRCh37 (hg19) VCF-style: chr2-241702714-G-T.
Other names: c.1818C>A, p.Pro606= (NM_001320705.2, NM_001330289.2, NM_001379638.1); c.1893C>A, p.Pro631= (NM_001330290.2, NM_001379631.1, NM_001379634.1 and 2 more transcripts); c.1791C>A, p.Pro597= (NM_001379632.1, NM_001379633.1, NM_001379636.1 and 10 more transcripts); c.1866C>A, p.Pro622= (NM_001379637.1, NM_001379648.1).
Identifiers: ClinVar variation 510019 (VCV000510019.13), dbSNP rs757613674, ClinGen allele CA432035279.